The following is an entry in ClinVar:

NM_006445.4(PRPF8):c.3540G>A (p.Lys1180=)

Gene: PRPF8 (pre-mRNA processing factor 8; minus strand). Cytogenetic location: 17p13.3.
Variant type: single nucleotide variant.
Coding change: c.3540G>A on transcript NM_006445.4 (MANE Select); coding-DNA position 3540, G replaced by A.
Protein change: p.Lys1180=; no amino-acid change (lysine 1180 retained).
Molecular consequence: synonymous variant.
Genome position (GRCh38, 1-based): chr17:1,673,474, C>T on the plus strand (G>A on the coding strand, the complement: PRPF8 is on the minus strand). VCF-style: chr17-1673474-C-T. GRCh37 (hg19) VCF-style: chr17-1576768-C-T.
Identifiers: ClinVar variation 4979191 (VCV004979191.1).

ClinVar aggregate classification (germline): Likely benign (1 of 4 stars; one submission).

Conditions:
PRPF8-related disorder. Also called: PRPF8-related condition.

gnomAD v4.1: 9 of 1,614,068 alleles (0.00056%); highest among the groups gnomAD compares: African/African-American, 0.0013%; no homozygotes.

Submission:

PreventionGenetics, part of Exact Sciences
Classification: Likely benign for PRPF8-related condition. Last evaluated: 2026-09-25. Review status: criteria provided, single submitter. Criteria: ACMG Guidelines, 2015. Collection method: clinical testing. Allele origin: germline.
Comment: This variant is classified as likely benign based on ACMG/AMP sequence variant interpretation guidelines (Richards et al. 2015 PMID: 25741868, with internal and published modifications).